The following is an entry in ClinVar:

ClinVar aggregate classification (germline): Uncertain significance (1 of 4 stars; one submission).

Conditions:
Arthrogryposis, renal dysfunction, and cholestasis 2 (ARCS2). Identifiers: Orphanet 2697, MedGen C3150672, MONDO:0013255, OMIM 613404.

Submission:

3billion
Classification: Uncertain significance for Arthrogryposis, renal dysfunction, and cholestasis 2. Last evaluated: 2025-09-08. Review status: criteria provided, single submitter. Criteria: ACMG Guidelines, 2015. Collection method: clinical testing. Allele origin: germline. Affected: yes.
Comment: The variant is not observed in the gnomAD v4.1.0 dataset. Predicted Consequence/Location: Missense variant. The majority of the known disease-causing variants of this gene are variants expected to result in premature termination of the protein. In silico tool predictions suggest damaging effect of the variant on gene or gene product [3Cnet: 0.79 (> 0.75, sensitivity 0.96 and precision 0.92)]. Therefore, this variant is classified as VUS according to the recommendation of ACMG/AMP guideline.

NM_001193315.2(VIPAS39):c.1126G>C (p.Ala376Pro)

Gene: VIPAS39 (VPS33B interacting protein, apical-basolateral polarity regulator, spe-39 homolog; minus strand). Cytogenetic location: 14q24.3.
Variant type: single nucleotide variant.
Coding change: c.1126G>C on transcript NM_001193315.2 (MANE Select); coding-DNA position 1126, G replaced by C.
Protein change: p.Ala376Pro; replaces alanine 376 with proline.
Molecular consequence: missense variant. On other transcripts: non-coding transcript variant (1), intron variant (1).
Genome position (GRCh38, 1-based): chr14:77,433,895, C>G on the plus strand (G>C on the coding strand, the complement: VIPAS39 is on the minus strand). VCF-style: chr14-77433895-C-G. GRCh37 (hg19) VCF-style: chr14-77900238-C-G.
Other names: c.1126G>C, p.Ala376Pro (NM_001193314.2, NM_001193317.2, NM_001400326.1 and 5 more transcripts); c.979G>C, p.Ala327Pro (NM_001193316.2, NM_001400324.1, NM_001400325.1); c.1093G>C, p.Ala365Pro (NM_001400327.1); c.1033G>C, p.Ala345Pro (NM_001400333.1, NM_001400334.1); c.991G>C, p.Ala331Pro (NM_001400336.1); c.886G>C, p.Ala296Pro (NM_001400337.1); c.841G>C, p.Ala281Pro (NM_001400339.1); c.987+367G>C (NM_001400338.1); short protein forms A281P, A296P, A327P, A331P, A345P, A365P, A376P.
Identifiers: ClinVar variation 4855467 (VCV004855467.1).